The following is an entry in ClinVar:

ClinVar aggregate classification (germline): Likely pathogenic (1 of 4 stars; one submission).

Conditions:
Spermatogenic failure 35. Identifiers: MedGen C5193038, MONDO:0032686, OMIM 618341.

gnomAD v4.1: 2 of 1,614,168 alleles (0.00012%); highest among the groups gnomAD compares: Non-Finnish European, 0.00017%; no homozygotes.

Submission:

First Genomix Gene Laboratory, Genetic Diagnostics Department
Classification: Likely pathogenic for Spermatogenic failure 35. Last evaluated: 2025-09-26. Review status: criteria provided, single submitter. Criteria: ACMG Guidelines, 2015. Collection method: clinical testing. Allele origin: germline. Inheritance: Autosomal recessive inheritance. Affected: no. Observed: 1 variant allele.

NM_001388453.1(QRICH2):c.3008C>G (p.Ser1003Ter)

Gene: QRICH2 (glutamine rich 2; minus strand). Cytogenetic location: 17q25.1.
Variant type: single nucleotide variant.
Coding change: c.3008C>G on transcript NM_001388453.1 (MANE Select); coding-DNA position 3008, C replaced by G.
Protein change: p.Ser1003Ter; replaces serine 1003 with a stop codon.
Molecular consequence: nonsense.
Genome position (GRCh38, 1-based): chr17:76,291,719, G>C on the plus strand (C>G on the coding strand, the complement: QRICH2 is on the minus strand). VCF-style: chr17-76291719-G-C. GRCh37 (hg19) VCF-style: chr17-74287800-G-C.
Other names: c.3008C>G, p.Ser1003Ter (NM_032134.3); short protein forms S1003*.
Identifiers: ClinVar variation 4850307 (VCV004850307.1).